The following is an entry in ClinVar:

ClinVar aggregate classification (germline): Uncertain significance (1 of 4 stars; one submission).

Submission:

Labcorp Genetics (formerly Invitae), Labcorp
Classification: Uncertain significance. Last evaluated: 2022-08-04. Review status: criteria provided, single submitter. Criteria: Invitae Variant Classification Sherloc (09022015). Collection method: clinical testing. Allele origin: germline.
Comment: A copy number gain of the genomic region encompassing the full coding sequence of the MUT gene has been identified. The boundaries of this event are unknown as they extend beyond the assayed region for this gene and therefore may encompass additional genes. As the precise location of this event is unknown, it may be in tandem or it may be located elsewhere in the genome. This variant has not been reported in the literature in individuals affected with MUT-related conditions. Experimental studies and prediction algorithms are not available or were not evaluated, and the functional significance of this variant is currently unknown. In summary, the available evidence is currently insufficient to determine the role of this variant in disease. Therefore, it has been classified as a Variant of Uncertain Significance.

NC_000006.11:g.(?_49399441)_(49604525_?)dup

Genes: C6orf141 (chromosome 6 open reading frame 141; plus strand), CENPQ (centromere protein Q; plus strand), GLYATL3 (glycine-N-acyltransferase like 3; plus strand), MMUT (methylmalonyl-CoA mutase; minus strand), RHAG (Rh associated glycoprotein; minus strand). Cytogenetic location: 6p12.3.
Variant type: Duplication.
Identifiers: ClinVar variation 2422682 (VCV002422682.3).